The following is an entry in ClinVar:

ClinVar aggregate classification (germline): Uncertain significance (1 of 4 stars; one submission).

Submission:

GeneDx
Classification: Uncertain significance. Last evaluated: 2024-02-16. Review status: criteria provided, single submitter. Criteria: GeneDx Variant Classification Process June 2021. Collection method: clinical testing. Allele origin: germline. Affected: yes.
Comment: Not observed at significant frequency in large population cohorts (gnomAD); Frameshift variant predicted to result in protein truncation or nonsense mediated decay in a gene or region of a gene for which loss of function is not a well-established mechanism of disease; Has not been previously published as pathogenic or benign to our knowledge

NM_001317778.2(SFTPC):c.115del (p.Val39fs)

Gene: SFTPC (surfactant protein C; plus strand). Cytogenetic location: 8p21.3.
Variant type: Deletion.
Coding change: c.115del on transcript NM_001317778.2 (MANE Select); coding-DNA position 115, one base deleted (G; older notation c.115delG).
Protein change: p.Val39fs; shifts the reading frame from valine 39.
Molecular consequence: frameshift variant. On other transcripts: intron variant (2).
Genome position (GRCh38, 1-based): chr8:22,162,646, G deleted. VCF-style (leftmost placement, unchanged base first): chr8-22162645-CG-C. GRCh37 (hg19) VCF-style: chr8-22020158-CG-C.
Other names: c.115del, p.Val39fs (NM_001172357.2, NM_001172410.2, NM_001317780.2 and 8 more transcripts); c.43-434del (NM_001385660.1, NM_001317779.2); short protein forms V39fs.
Identifiers: ClinVar variation 3369268 (VCV003369268.1).